The following is an entry in ClinVar:

ClinVar aggregate classification (germline): Uncertain significance (1 of 4 stars; one submission).

Conditions:
Evans syndrome, immunodeficiency, and premature immunosenescence associated with tripeptidyl-peptidase II deficiency. Identifiers: MedGen CN231723. Disease mechanism: loss of function.

Allele frequency attached by ClinVar (database versions not stated): TOPMed below 0.00001.
gnomAD v4.1: 8 of 1,614,032 alleles (0.0005%); highest among the groups gnomAD compares: South Asian, 0.0011%; no homozygotes.

Submission:

Labcorp Genetics (formerly Invitae), Labcorp
Classification: Uncertain significance for Evans syndrome, immunodeficiency, and premature immunosenescence associated with tripeptidyl-peptidase II deficiency. Last evaluated: 2020-10-28. Review status: criteria provided, single submitter. Criteria: Invitae Variant Classification Sherloc (09022015). Collection method: clinical testing. Allele origin: germline.
Comment: In summary, the available evidence is currently insufficient to determine the role of this variant in disease. Therefore, it has been classified as a Variant of Uncertain Significance. Algorithms developed to predict the effect of missense changes on protein structure and function are either unavailable or do not agree on the potential impact of this missense change (SIFT: "Tolerated"; PolyPhen-2: "Probably Damaging"; Align-GVGD: "Class C0"). This variant has not been reported in the literature in individuals with TPP2-related conditions. This variant is not present in population databases (ExAC no frequency). This sequence change replaces threonine with methionine at codon 442 of the TPP2 protein (p.Thr442Met). The threonine residue is highly conserved and there is a moderate physicochemical difference between threonine and methionine.

NM_001330588.2(TPP2):c.1325C>T (p.Thr442Met)

Gene: TPP2 (tripeptidyl peptidase 2; plus strand). Cytogenetic location: 13q33.1.
Variant type: single nucleotide variant.
Coding change: c.1325C>T on transcript NM_001330588.2 (MANE Select); coding-DNA position 1325, C replaced by T.
Protein change: p.Thr442Met; replaces threonine 442 with methionine.
Molecular consequence: missense variant. On other transcripts: non-coding transcript variant (1).
Genome position (GRCh38, 1-based): chr13:102,634,030, C>T. VCF-style: chr13-102634030-C-T. GRCh37 (hg19) VCF-style: chr13-103286380-C-T.
Other names: c.1325C>T, p.Thr442Met (LRG_1341t1, NM_001367947.1, NM_003291.4); short protein forms T442M.
Identifiers: ClinVar variation 648909 (VCV000648909.7), dbSNP rs1595168606, ClinGen allele CA388485553.